The following is an entry in ClinVar:

NM_001868.4(CPA1):c.719G>T (p.Arg240Leu)

Gene: CPA1 (carboxypeptidase A1; plus strand). Cytogenetic location: 7q32.2.
Variant type: single nucleotide variant.
Coding change: c.719G>T on transcript NM_001868.4 (MANE Select); coding-DNA position 719, G replaced by T.
Protein change: p.Arg240Leu; replaces arginine 240 with leucine.
Molecular consequence: missense variant.
Genome position (GRCh38, 1-based): chr7:130,384,558, G>T. VCF-style: chr7-130384558-G-T. GRCh37 (hg19) VCF-style: chr7-130024399-G-T.
Other names: short protein forms R240L.
Identifiers: ClinVar variation 4841616 (VCV004841616.1).

ClinVar aggregate classification (germline): Uncertain significance (1 of 4 stars; one submission).

Conditions:
Hereditary pancreatitis (PCTT). Also called: Hereditary chronic pancreatitis; PRSS1-Related Hereditary Pancreatitis. Identifiers: Orphanet 676, MedGen C0238339, MONDO:0008185, OMIM 167800.

Submission:

Ambry Genetics
Classification: Uncertain significance for Hereditary pancreatitis. Last evaluated: 2025-12-26. Review status: criteria provided, single submitter. Criteria: Ambry Variant Classification Scheme 2023. Collection method: clinical testing. Allele origin: germline.
Comment: The p.R240L variant (also known as c.719G>T), located in coding exon 7 of the CPA1 gene, results from a G to T substitution at nucleotide position 719. The arginine at codon 240 is replaced by leucine, an amino acid with dissimilar properties. This amino acid position is conserved. In addition, this alteration is predicted to be deleterious by in silico analysis. Based on the available evidence, the clinical significance of this variant remains unclear.